The following is an entry in ClinVar:

ClinVar aggregate classification (germline): Pathogenic (1 of 4 stars; one submission).

Allele frequency attached by ClinVar (database versions not stated): gnomAD exomes below 0.00001.

Submission:

Labcorp Genetics (formerly Invitae), Labcorp
Classification: Pathogenic. Last evaluated: 2022-03-08. Review status: criteria provided, single submitter. Criteria: Invitae Variant Classification Sherloc (09022015). Collection method: clinical testing. Allele origin: germline.
Comment: For these reasons, this variant has been classified as Pathogenic. This variant has not been reported in the literature in individuals affected with LIFR-related conditions. This variant is not present in population databases (gnomAD no frequency). This sequence change creates a premature translational stop signal (p.Ser181Ilefs*5) in the LIFR gene. It is expected to result in an absent or disrupted protein product. Loss-of-function variants in LIFR are known to be pathogenic (PMID: 14740318).

Literature cited by the submitters: PubMed 14740318.

NM_001127671.2(LIFR):c.542del (p.Ser181fs)

Gene: LIFR (LIF receptor subunit alpha; minus strand). Cytogenetic location: 5p13.1.
Variant type: Deletion.
Coding change: c.542del on transcript NM_001127671.2 (MANE Select); coding-DNA position 542, one base deleted (G; older notation c.542delG).
Protein change: p.Ser181fs; shifts the reading frame from serine 181.
Molecular consequence: frameshift variant.
Genome position (GRCh38, 1-based): chr5:38,523,438, C deleted on the plus strand (G on the coding strand, the reverse complement: LIFR is on the minus strand). VCF-style (leftmost placement, unchanged base first): chr5-38523437-AC-A. GRCh37 (hg19) VCF-style: chr5-38523539-AC-A.
Other names: c.542del, p.Ser181fs (NM_001364297.2, NM_001364298.2, NM_002310.6); short protein forms S181fs.
Identifiers: ClinVar variation 2107623 (VCV002107623.4), dbSNP rs2531116066, ClinGen allele CA2580073260.